The following is an entry in ClinVar:

ClinVar aggregate classification (germline): Likely benign. Review status: criteria provided, multiple submitters, no conflicts (2 of 4 stars). 2 submissions from 2 submitters: Likely benign (2). Last evaluated 2026-07-01.

Allele frequency attached by ClinVar (database versions not stated): gnomAD 0.00011.
gnomAD v4.1: 108 of 1,612,826 alleles (0.0067%); highest among the groups gnomAD compares: Non-Finnish European, 0.0028%; no homozygotes.

Submissions (2):

CeGaT Center for Human Genetics Tuebingen
Classification: Likely benign. Last evaluated: 2026-07-01. Review status: criteria provided, single submitter. Criteria: CeGaT Center For Human Genetics Tuebingen Variant Classification Criteria Version 2. Collection method: clinical testing. Allele origin: germline. Affected: yes. Observed: 1 variant allele.
Comment: GPAA1: BP4, BP7

Labcorp Genetics (formerly Invitae), Labcorp
Classification: Likely benign. Last evaluated: 2024-10-16. Review status: criteria provided, single submitter. Criteria: Invitae Variant Classification Sherloc (09022015). Collection method: clinical testing. Allele origin: germline.

NM_003801.4(GPAA1):c.1599G>C (p.Ala533=)

Gene: GPAA1 (glycosylphosphatidylinositol anchor attachment 1; plus strand). Cytogenetic location: 8q24.3.
Variant type: single nucleotide variant.
Coding change: c.1599G>C on transcript NM_003801.4 (MANE Select); coding-DNA position 1599, G replaced by C.
Protein change: p.Ala533=; no amino-acid change (alanine 533 retained).
Molecular consequence: synonymous variant.
Genome position (GRCh38, 1-based): chr8:144,085,720, G>C. VCF-style: chr8-144085720-G-C. GRCh37 (hg19) VCF-style: chr8-145140623-G-C.
Identifiers: ClinVar variation 2419394 (VCV002419394.8), dbSNP rs782116999, ClinGen allele CA4933204.